The following is an entry in ClinVar:

NM_004393.6(DAG1):c.1453_1454insC (p.Ser485fs)

Gene: DAG1 (dystroglycan 1; plus strand). Cytogenetic location: 3p21.31.
Variant type: Insertion.
Coding change: c.1453_1454insC on transcript NM_004393.6 (MANE Select); coding-DNA positions 1453 to 1454, C inserted.
Protein change: p.Ser485fs; shifts the reading frame from serine 485.
Molecular consequence: frameshift variant.
Genome position: GRCh38 VCF-style: chr3-49531964-A-AC. GRCh37 (hg19) VCF-style: chr3-49569397-A-AC.
Other names: c.1453_1454insC, p.Ser485fs (NM_001165928.4, NM_001177634.3, NM_001177635.3 and 9 more transcripts); short protein forms S485fs.
Identifiers: ClinVar variation 1055844 (VCV001055844.5), dbSNP rs2107938946, ClinGen allele CA2499216913.

ClinVar aggregate classification (germline): Uncertain significance (1 of 4 stars; one submission).

Conditions:
Autosomal recessive limb-girdle muscular dystrophy type 2P. Also called: MUSCULAR DYSTROPHY-DYSTROGLYCANOPATHY, LIMB-GIRDLE, DAG1-RELATED; Limb-Girdle Muscular Dystrophy Type 9C; MUSCULAR DYSTROPHY, LIMB-GIRDLE, TYPE 2P. Identifiers: Orphanet 280333, MedGen C4511963, MONDO:0013440, OMIM 613818.
Muscular dystrophy-dystroglycanopathy (congenital with brain and eye anomalies), type A9. Also called: Muscular dystrophy-dystroglycanopathy (congenital with brain and eye anomalies), type a, 9; WALKER-WARBURG SYNDROME OR MUSCLE-EYE BRAIN DISEASE, DAG1-RELATED. Identifiers: Orphanet 370997, Orphanet 899, MedGen C4225291, MONDO:0014683, OMIM 616538.

Submission:

Labcorp Genetics (formerly Invitae), Labcorp
Classification: Uncertain significance for Autosomal recessive limb-girdle muscular dystrophy type 2P; Muscular dystrophy-dystroglycanopathy (congenital with brain and eye anomalies), type A9. Last evaluated: 2020-02-19. Review status: criteria provided, single submitter. Criteria: Invitae Variant Classification Sherloc (09022015). Collection method: clinical testing. Allele origin: germline.
Comment: This sequence change results in a premature translational stop signal in the DAG1 gene (p.Ser485Thrfs*20). While this is not anticipated to result in nonsense mediated decay, it is expected to disrupt the last 411 amino acids of the DAG1 protein. This variant is not present in population databases (ExAC no frequency). This variant has not been reported in the literature in individuals with DAG1-related conditions. In summary, the available evidence is currently insufficient to determine the role of this variant in disease. Therefore, it has been classified as a Variant of Uncertain Significance.